The following is an entry in ClinVar:

ClinVar aggregate classification (germline): Likely pathogenic (1 of 4 stars; one submission).

Submission:

Labcorp Genetics (formerly Invitae), Labcorp
Classification: Likely pathogenic. Last evaluated: 2022-08-16. Review status: criteria provided, single submitter. Criteria: Invitae Variant Classification Sherloc (09022015). Collection method: clinical testing. Allele origin: germline.
Comment: In summary, the currently available evidence indicates that the variant is pathogenic, but additional data are needed to prove that conclusively. Therefore, this variant has been classified as Likely Pathogenic. Algorithms developed to predict the effect of sequence changes on RNA splicing suggest that this variant may disrupt the consensus splice site. Disruption of this splice site has been observed in individual(s) with clinical features of COL4A1-related conditions (Invitae). This variant is not present in population databases (gnomAD no frequency). This sequence change affects a donor splice site in intron 42 of the COL4A1 gene. It is expected to disrupt RNA splicing. Variants that disrupt the donor or acceptor splice site typically lead to a loss of protein function (PMID: 16199547), and loss-of-function variants in COL4A1 are known to be pathogenic (PMID: 23225343).

Literature cited by the submitters: PubMed 16199547; PubMed 23225343.

NM_001845.6(COL4A1):c.3742+1G>T

Gene: COL4A1 (collagen type IV alpha 1 chain; minus strand). Cytogenetic location: 13q34.
Variant type: single nucleotide variant.
Coding change: c.3742+1G>T on transcript NM_001845.6 (MANE Select); the canonical splice donor site of the intron after coding-DNA position 3742, G replaced by T.
Molecular consequence: splice donor variant.
Genome position (GRCh38, 1-based): chr13:110,170,546, C>A on the plus strand (G>T on the coding strand, the complement: COL4A1 is on the minus strand). VCF-style: chr13-110170546-C-A. GRCh37 (hg19) VCF-style: chr13-110822893-C-A.
Identifiers: ClinVar variation 2094273 (VCV002094273.4), dbSNP rs2139156007, ClinGen allele CA388662195.